The following is an entry in ClinVar:

ClinVar aggregate classification (germline): Pathogenic (1 of 4 stars; one submission).

Submission:

Labcorp Genetics (formerly Invitae), Labcorp
Classification: Pathogenic. Last evaluated: 2025-09-21. Review status: criteria provided, single submitter. Criteria: Invitae Variant Classification Sherloc (09022015). Collection method: clinical testing. Allele origin: germline.
Comment: This sequence change creates a premature translational stop signal (p.Glu465Glyfs*23) in the SCNN1B gene. It is expected to result in an absent or disrupted protein product. Loss-of-function variants in SCNN1B are known to be pathogenic (PMID: 12107427, 23426840, 26807262). This variant is not present in population databases (gnomAD no frequency). This variant has not been reported in the literature in individuals affected with SCNN1B-related conditions. For these reasons, this variant has been classified as Pathogenic.

Literature cited by the submitters: PubMed 12107427; PubMed 23426840; PubMed 26807262.

NM_000336.3(SCNN1B):c.1394del (p.Glu465fs)

Gene: SCNN1B (sodium channel epithelial 1 subunit beta; plus strand). Cytogenetic location: 16p12.2.
Variant type: Deletion.
Coding change: c.1394del on transcript NM_000336.3 (MANE Select); coding-DNA position 1394, one base deleted (A; older notation c.1394delA).
Protein change: p.Glu465fs; shifts the reading frame from glutamic acid 465.
Molecular consequence: frameshift variant.
Genome position (GRCh38, 1-based): chr16:23,377,376, A deleted. VCF-style (leftmost placement, unchanged base first): chr16-23377375-GA-G. GRCh37 (hg19) VCF-style: chr16-23388696-GA-G.
Other names: c.1286del, p.Glu429fs (NM_001410900.1); short protein forms E429fs, E465fs.
Identifiers: ClinVar variation 4727224 (VCV004727224.1).